The following is an entry in ClinVar:

ClinVar aggregate classification (germline): Uncertain significance (1 of 4 stars; one submission).

Conditions:
Hereditary spastic paraplegia 47. Also called: CEREBRAL PALSY, SPASTIC QUADRIPLEGIC, 5; adaptor protein 4 (AP-4) deficiency syndrome; Spastic paraplegia 47, autosomal recessive. Identifiers: Orphanet 280763, MedGen C3279738, MONDO:0013551, OMIM 614066.

Submission:

Labcorp Genetics (formerly Invitae), Labcorp
Classification: Uncertain significance for Hereditary spastic paraplegia 47. Last evaluated: 2022-08-16. Review status: criteria provided, single submitter. Criteria: Invitae Variant Classification Sherloc (09022015). Collection method: clinical testing. Allele origin: germline.
Comment: In summary, the available evidence is currently insufficient to determine the role of this variant in disease. Therefore, it has been classified as a Variant of Uncertain Significance. Algorithms developed to predict the effect of missense changes on protein structure and function (SIFT, PolyPhen-2, Align-GVGD) all suggest that this variant is likely to be tolerated. ClinVar contains an entry for this variant (Variation ID: 1411592). This variant has not been reported in the literature in individuals affected with AP4B1-related conditions. This variant is not present in population databases (gnomAD no frequency). This sequence change replaces glutamic acid, which is acidic and polar, with valine, which is neutral and non-polar, at codon 700 of the AP4B1 protein (p.Glu700Val).

NM_001253852.3(AP4B1):c.2099A>T (p.Glu700Val)

Genes: AP4B1 (adaptor related protein complex 4 subunit beta 1; minus strand), AP4B1-AS1 (AP4B1 antisense RNA 1; plus strand). Cytogenetic location: 1p13.2.
Variant type: single nucleotide variant.
Coding change: c.2099A>T on transcript NM_001253852.3 (MANE Select); coding-DNA position 2099, A replaced by T.
Protein change: p.Glu700Val; replaces glutamic acid 700 with valine.
Molecular consequence: missense variant.
Genome position (GRCh38, 1-based): chr1:113,895,186, T>A on the plus strand (A>T on the coding strand, the complement: AP4B1 is on the minus strand). VCF-style: chr1-113895186-T-A. GRCh37 (hg19) VCF-style: chr1-114437808-T-A.
Other names: c.1802A>T, p.Glu601Val (NM_001253853.3); c.1595A>T, p.Glu532Val (NM_001308312.2); c.2099A>T, p.Glu700Val (NM_006594.5); short protein forms E532V, E601V, E700V.
Identifiers: ClinVar variation 1411592 (VCV001411592.8), dbSNP rs768308955, ClinGen allele CA341706215.